The following is an entry in ClinVar:

NM_020975.6(RET):c.2172G>T (p.Leu724Phe)

Gene: RET (ret proto-oncogene; plus strand). Cytogenetic location: 10q11.21.
Variant type: single nucleotide variant.
Coding change: c.2172G>T on transcript NM_020975.6 (MANE Select); coding-DNA position 2172, G replaced by T.
Protein change: p.Leu724Phe; replaces leucine 724 with phenylalanine.
Molecular consequence: missense variant.
Genome position (GRCh38, 1-based): chr10:43,116,619, G>T. VCF-style: chr10-43116619-G-T. GRCh37 (hg19) VCF-style: chr10-43612067-G-T.
Other names: c.1182G>T, p.Leu394Phe (NM_001406784.1); c.1155G>T, p.Leu385Phe (NM_001406785.1); c.1146G>T, p.Leu382Phe (NM_001406786.1, NM_001406783.1); c.1140G>T, p.Leu380Phe (NM_001406787.1); c.987G>T, p.Leu329Phe (NM_001406788.1, NM_001406789.1, NM_001406790.1); c.867G>T, p.Leu289Phe (NM_001406791.1); c.723G>T, p.Leu241Phe (NM_001406792.1, NM_001406793.1, NM_001406794.1); c.1410G>T, p.Leu470Phe (NM_001355216.2); and 10 more; short protein forms L385F, L425F, L482F, L578F, L681F, L380F, L394F, L470F.
Identifiers: ClinVar variation 5028176 (VCV005028176.1).

ClinVar aggregate classification (germline): Uncertain significance (1 of 4 stars; one submission).

Conditions:
Hereditary cancer-predisposing syndrome. Also called: Neoplastic Syndromes, Hereditary; Tumor predisposition; Hereditary neoplastic syndrome; Hereditary Cancer Syndrome. Identifiers: Orphanet 140162, MedGen C0027672, MeSH D009386, MONDO:0015356.

Submission:

Ambry Genetics
Classification: Uncertain significance for Hereditary cancer-predisposing syndrome. Last evaluated: 2026-07-06. Review status: criteria provided, single submitter. Criteria: Ambry Variant Classification Scheme 2023. Collection method: clinical testing. Allele origin: germline.
Comment: The p.L724F variant (also known as c.2172G>T), located in coding exon 12 of the RET gene, results from a G to T substitution at nucleotide position 2172. The leucine at codon 724 is replaced by phenylalanine, an amino acid with highly similar properties. This amino acid position is conserved. In addition, this alteration is predicted to be deleterious by in silico analysis. Based on the available evidence, the clinical significance of this variant remains unclear.